The following is an entry in ClinVar:

ClinVar aggregate classification (germline): Uncertain significance. Review status: criteria provided, multiple submitters, no conflicts (2 of 4 stars). 3 submissions from 3 submitters: Uncertain significance (2). 1 of the submissions does not count toward it. Last evaluated 2024-11-15.

Conditions:
Combined immunodeficiency with skin granulomas. Identifiers: Orphanet 157949, MedGen C2673536, MONDO:0009306, OMIM 233650.
Severe combined immunodeficiency, autosomal recessive, T cell-negative, B cell-negative, NK cell-positive. Also called: Severe combined immunodeficiency due to complete RAG1/2 deficiency; SCID, T CELL-NEGATIVE, B CELL-NEGATIVE, NK CELL-POSITIVE; SCID, AR, T-cell negative, B-cell negative, NK cell-positive. Identifiers: Orphanet 331206, MedGen C1832322, MONDO:0011086, OMIM 601457.
Histiocytic medullary reticulosis. Also called: Omenn syndrome; SEVERE COMBINED IMMUNODEFICIENCY WITH HYPEREOSINOPHILIA. Identifiers: Orphanet 39041, MedGen C2700553, MONDO:0011338, OMIM 603554.

Allele frequency attached by ClinVar (database versions not stated): ExAC 0.00002; gnomAD exomes 0.00002 and 0.00004; 1000 Genomes Project 30x 0.00016; 1000 Genomes Project 0.00020; gnomAD 0.00020 and 0.00021; ESP Exome Variant Server 0.00023; TOPMed 0.00027.
gnomAD v4.1: 63 of 1,614,180 alleles (0.0039%); highest among the groups gnomAD compares: African/African-American, 0.073%; no homozygotes.

Submissions (3):

Blueprint Genetics
Classification: Uncertain significance. Last evaluated: 2024-11-15. Review status: criteria provided, single submitter. Criteria: ACMG Guidelines, 2015. Collection method: clinical testing. Allele origin: germline.

Labcorp Genetics (formerly Invitae), Labcorp
Classification: Uncertain significance for Combined immunodeficiency with skin granulomas; Severe combined immunodeficiency, autosomal recessive, T cell-negative, B cell-negative, NK cell-positive. Last evaluated: 2024-10-16. Review status: criteria provided, single submitter. Criteria: Invitae Variant Classification Sherloc (09022015). Collection method: clinical testing. Allele origin: germline.
Comment: This sequence change replaces aspartic acid, which is acidic and polar, with tyrosine, which is neutral and polar, at codon 380 of the RAG2 protein (p.Asp380Tyr). This variant is present in population databases (rs151269922, gnomAD 0.06%). This variant has not been reported in the literature in individuals affected with RAG2-related conditions. ClinVar contains an entry for this variant (Variation ID: 970211). Invitae Evidence Modeling of protein sequence and biophysical properties (such as structural, functional, and spatial information, amino acid conservation, physicochemical variation, residue mobility, and thermodynamic stability) indicates that this missense variant is expected to disrupt RAG2 protein function with a positive predictive value of 95%. In summary, the available evidence is currently insufficient to determine the role of this variant in disease. Therefore, it has been classified as a Variant of Uncertain Significance.

Natera, Inc.
Classification: Uncertain significance for Omenn syndrome. Last evaluated: 2020-03-26. Review status: no assertion criteria provided. Collection method: clinical testing. Allele origin: germline. Not counted in ClinVar's aggregate classification.

NM_000536.4(RAG2):c.1138G>T (p.Asp380Tyr)

Gene: RAG2 (recombination activating 2; minus strand). Cytogenetic location: 11p12.
Variant type: single nucleotide variant.
Coding change: c.1138G>T on transcript NM_000536.4 (MANE Select); coding-DNA position 1138, G replaced by T.
Protein change: p.Asp380Tyr; replaces aspartic acid 380 with tyrosine.
Molecular consequence: missense variant.
Genome position (GRCh38, 1-based): chr11:36,593,031, C>A on the plus strand (G>T on the coding strand, the complement: RAG2 is on the minus strand). VCF-style: chr11-36593031-C-A. GRCh37 (hg19) VCF-style: chr11-36614581-C-A.
Other names: c.1138G>T, p.Asp380Tyr (NM_001243785.2, NM_001243786.2); short protein forms D380Y.
Identifiers: ClinVar variation 970211 (VCV000970211.7), dbSNP rs151269922, ClinGen allele CA5950466.